The following is an entry in ClinVar:

ClinVar aggregate classification (germline): Uncertain significance. Review status: criteria provided, multiple submitters, no conflicts (2 of 4 stars). 2 submissions from 2 submitters: Uncertain significance (2). Last evaluated 2021-02-03.

Conditions:
Hyperphosphatasia with impaired intellectual development syndrome 2. Also called: Hyperphosphatasia with intellectual disability syndrome 2; GLYCOSYLPHOSPHATIDYLINOSITOL BIOSYNTHESIS DEFECT 6. Identifiers: Orphanet 247262, MedGen C3553637, MONDO:0013882, OMIM 614749.

Allele frequency attached by ClinVar (database versions not stated): TOPMed 0.00002; gnomAD exomes 0.00001; ExAC 0.00001.

Submissions (2):

Labcorp Genetics (formerly Invitae), Labcorp
Classification: Uncertain significance for Hyperphosphatasia with impaired intellectual development syndrome 2. Last evaluated: 2021-02-03. Review status: criteria provided, single submitter. Criteria: Invitae Variant Classification Sherloc (09022015). Collection method: clinical testing. Allele origin: germline.
Comment: This variant is present in population databases (rs762970543, ExAC 0.01%). In summary, the available evidence is currently insufficient to determine the role of this variant in disease. Therefore, it has been classified as a Variant of Uncertain Significance. Algorithms developed to predict the effect of missense changes on protein structure and function (SIFT, PolyPhen-2, Align-GVGD) all suggest that this variant is likely to be tolerated, but these predictions have not been confirmed by published functional studies and their clinical significance is uncertain. This variant has not been reported in the literature in individuals with PIGO-related disease. This sequence change replaces glycine with alanine at codon 261 of the PIGO protein (p.Gly261Ala). The glycine residue is moderately conserved and there is a small physicochemical difference between glycine and alanine.

GeneDx
Classification: Uncertain significance. Last evaluated: 2019-04-04. Review status: criteria provided, single submitter. Criteria: GeneDx Variant Classification Process June 2021. Collection method: clinical testing. Allele origin: germline. Affected: yes.
Comment: Has not been previously published as pathogenic or benign to our knowledge; Not observed at a significant frequency in large population cohorts (Lek et al., 2016); In silico analysis, which includes protein predictors and evolutionary conservation, supports that this variant does not alter protein structure/function

NM_032634.4(PIGO):c.782G>C (p.Gly261Ala)

Gene: PIGO (phosphatidylinositol glycan anchor biosynthesis class O; minus strand). Cytogenetic location: 9p13.3.
Variant type: single nucleotide variant.
Coding change: c.782G>C on transcript NM_032634.4 (MANE Select); coding-DNA position 782, G replaced by C.
Protein change: p.Gly261Ala; replaces glycine 261 with alanine.
Molecular consequence: missense variant.
Genome position (GRCh38, 1-based): chr9:35,093,578, C>G on the plus strand (G>C on the coding strand, the complement: PIGO is on the minus strand). VCF-style: chr9-35093578-C-G. GRCh37 (hg19) VCF-style: chr9-35093575-C-G.
Other names: c.782G>C, p.Gly261Ala (NM_001201484.2, NM_152850.4); short protein forms G261A.
Identifiers: ClinVar variation 574659 (VCV000574659.10), dbSNP rs762970543, ClinGen allele CA5040824.